The following is an entry in ClinVar:

NM_001042492.3(NF1):c.7878G>A (p.Leu2626=)

Gene: NF1 (neurofibromin 1; plus strand). Cytogenetic location: 17q11.2.
Variant type: single nucleotide variant.
Coding change: c.7878G>A on transcript NM_001042492.3 (MANE Select); coding-DNA position 7878, G replaced by A.
Protein change: p.Leu2626=; no amino-acid change (leucine 2626 retained).
Molecular consequence: synonymous variant.
Genome position (GRCh38, 1-based): chr17:31,357,277, G>A. VCF-style: chr17-31357277-G-A. GRCh37 (hg19) VCF-style: chr17-29684295-G-A.
Other names: c.7815G>A, p.Leu2605= (NM_000267.4).
Identifiers: ClinVar variation 748768 (VCV000748768.16), dbSNP rs1022364851, ClinGen allele CA289710949.
Genomic context (GRCh38, chr17:31,357,277, plus strand): 5'-ATTCAGCCACAAAGTAAAAATGTTGTGTGTTTACTTTTTTGCATCTTGGCAGGCTACACT[G>A]GTAAAATATACCACAGATGAGTTTGATCAACGAATTCTTTATGAATACTTAGCAGAGGCC-3'
Protein context (NP_001035957.1, residues 2616-2636): QALLLTVLAT[Leu2626=]VKYTTDEFDQ

ClinVar aggregate classification (germline): Benign/Likely benign. Review status: criteria provided, multiple submitters, no conflicts (2 of 4 stars). 5 submissions from 5 submitters: Benign (1); Likely benign (4). Last evaluated 2026-09-28.

Conditions:
Cardiovascular phenotype. Identifiers: MedGen CN230736.
Hereditary cancer-predisposing syndrome. Also called: Hereditary neoplastic syndrome; Neoplastic Syndromes, Hereditary; Tumor predisposition; Hereditary Cancer Syndrome. Identifiers: Orphanet 140162, MedGen C0027672, MeSH D009386, MONDO:0015356.
Neurofibromatosis, type 1 (NF1). Also called: Neurofibromatosis, type I; Peripheral type neurofibromatosis; VON RECKLINGHAUSEN DISEASE; NEUROFIBROMATOSIS, TYPE I, SOMATIC. Identifiers: Orphanet 636, MedGen C0027831, MONDO:0018975, OMIM 162200. Disease mechanism: loss of function.

Allele frequency attached by ClinVar (database versions not stated): gnomAD exomes below 0.00001; TOPMed below 0.00001.
gnomAD v4.1: 4 of 1,613,800 alleles (0.00025%); highest among the groups gnomAD compares: Non-Finnish European, 0.00034%; no homozygotes.

Submissions (5):

Myriad Genetics, Inc.
Classification: Benign for Neurofibromatosis, type 1. Last evaluated: 2026-09-28. Review status: criteria provided, single submitter. Criteria: Myriad Autosomal Dominant, Autosomal Recessive and X-Linked Classification Criteria (2023). Collection method: clinical testing. Allele origin: unknown.
Comment: This variant is considered benign. This variant is a silent/synonymous amino acid change and it is not expected to impact splicing.

Labcorp Genetics (formerly Invitae), Labcorp
Classification: Likely benign for Neurofibromatosis, type 1. Last evaluated: 2025-12-28. Review status: criteria provided, single submitter. Criteria: Invitae Variant Classification Sherloc (09022015). Collection method: clinical testing. Allele origin: germline.

Blueprint Genetics
Classification: Likely benign. Last evaluated: 2023-06-29. Review status: criteria provided, single submitter. Criteria: ACMG Guidelines, 2015. Collection method: clinical testing. Allele origin: germline.

Genome-Nilou Lab
Classification: Likely benign for Neurofibromatosis, type 1. Last evaluated: 2022-03-15. Review status: criteria provided, single submitter. Criteria: ACMG Guidelines, 2015. Collection method: clinical testing. Allele origin: germline. Affected: no.

Ambry Genetics
Classification: Likely benign for Cardiovascular phenotype; Hereditary cancer-predisposing syndrome. Last evaluated: 2017-11-22. Review status: criteria provided, single submitter. Criteria: Ambry Variant Classification Scheme 2023. Collection method: clinical testing. Allele origin: germline.